The following is an entry in ClinVar:

NM_018344.6(SLC29A3):c.774G>C (p.Arg258Ser)

Gene: SLC29A3 (solute carrier family 29 member 3; plus strand). Cytogenetic location: 10q22.1.
Variant type: single nucleotide variant.
Coding change: c.774G>C on transcript NM_018344.6 (MANE Select); coding-DNA position 774, G replaced by C.
Protein change: p.Arg258Ser; replaces arginine 258 with serine.
Molecular consequence: missense variant. On other transcripts: 3 prime UTR variant (1), non-coding transcript variant (2).
Genome position (GRCh38, 1-based): chr10:71,361,954, G>C. VCF-style: chr10-71361954-G-C. GRCh37 (hg19) VCF-style: chr10-73121711-G-C.
Other names: c.*3G>C (NM_001174098.2); c.540G>C, p.Arg180Ser (NM_001363518.2); short protein forms R258S, R180S.
Identifiers: ClinVar variation 2171802 (VCV002171802.4), dbSNP rs1847064583, ClinGen allele CA377113589.
Genomic context (GRCh38, chr10:71,361,954, plus strand): 5'-GCTGTGCTGACTCAGATCCCAAGCAACCTGCTTGATGGTGGCCCTGTCTCCTCCCTGCAG[G>C]TACTACATGAGGCCTGTTCTTGCGGCCCATGTGTTTTCTGGTGAAGAGGAGCTTCCCCAG-3'
Protein context (NP_060814.4, residues 248-268): YLLLSRLEYA[Arg258Ser]YYMRPVLAAH

ClinVar aggregate classification (germline): Uncertain significance (1 of 4 stars; one submission).

Conditions:
H syndrome. Also called: FAISALABAD HISTIOCYTOSIS; Pigmented hypertrichosis and insulin-dependent diabetes mellitus; HISTIOCYTOSIS AND LYMPHADENOPATHY WITH OR WITHOUT CUTANEOUS, CARDIAC, AND/OR ENDOCRINE FEATURES, JOINT CONTRACTURES, AND/OR DEAFNESS; HYPERPIGMENTATION, CUTANEOUS, WITH HYPERTRICHOSIS, HEPATOSPLENOMEGALY, HEART ANOMALIES, AND HYPOGONADISM WITH OR WITHOUT HEARING LOSS; PIGMENTED HYPERTRICHOSIS WITH INSULIN-DEPENDENT DIABETES MELLITUS; ROSAI-DORFMAN DISEASE, FAMILIAL. Identifiers: Orphanet 168569, MedGen C1864445, MONDO:0011273, OMIM 602782.

Submission:

Labcorp Genetics (formerly Invitae), Labcorp
Classification: Uncertain significance for H syndrome. Last evaluated: 2022-08-22. Review status: criteria provided, single submitter. Criteria: Invitae Variant Classification Sherloc (09022015). Collection method: clinical testing. Allele origin: germline.
Comment: In summary, the available evidence is currently insufficient to determine the role of this variant in disease. Therefore, it has been classified as a Variant of Uncertain Significance. Algorithms developed to predict the effect of missense changes on protein structure and function are either unavailable or do not agree on the potential impact of this missense change (SIFT: "Deleterious"; PolyPhen-2: "Possibly Damaging"; Align-GVGD: "Class C15"). This variant has not been reported in the literature in individuals affected with SLC29A3-related conditions. This variant is not present in population databases (gnomAD no frequency). This sequence change replaces arginine, which is basic and polar, with serine, which is neutral and polar, at codon 258 of the SLC29A3 protein (p.Arg258Ser).